The following is an entry in ClinVar:

ClinVar aggregate classification (germline): Uncertain significance. Review status: criteria provided, multiple submitters, no conflicts (2 of 4 stars). 2 submissions from 2 submitters: Uncertain significance (2). Last evaluated 2024-09-16.

Allele frequency attached by ClinVar (database versions not stated): gnomAD exomes below 0.00001 and 0.00001; TOPMed 0.00001; ExAC 0.00002.
gnomAD v4.1: 5 of 1,614,188 alleles (0.00031%); highest among the groups gnomAD compares: Non-Finnish European, 0.00042%; no homozygotes.

Submissions (2):

Labcorp Genetics (formerly Invitae), Labcorp
Classification: Uncertain significance. Last evaluated: 2024-09-16. Review status: criteria provided, single submitter. Criteria: Invitae Variant Classification Sherloc (09022015). Collection method: clinical testing. Allele origin: germline.
Comment: This sequence change replaces proline, which is neutral and non-polar, with serine, which is neutral and polar, at codon 740 of the DHX38 protein (p.Pro740Ser). This variant is present in population databases (rs769608483, gnomAD 0.002%). This variant has not been reported in the literature in individuals affected with DHX38-related conditions. ClinVar contains an entry for this variant (Variation ID: 959054). Invitae Evidence Modeling of protein sequence and biophysical properties (such as structural, functional, and spatial information, amino acid conservation, physicochemical variation, residue mobility, and thermodynamic stability) indicates that this missense variant is not expected to disrupt DHX38 protein function with a negative predictive value of 80%. In summary, the available evidence is currently insufficient to determine the role of this variant in disease. Therefore, it has been classified as a Variant of Uncertain Significance.

Blueprint Genetics
Classification: Uncertain significance. Last evaluated: 2022-03-08. Review status: criteria provided, single submitter. Criteria: ACMG Guidelines, 2015. Collection method: clinical testing. Allele origin: germline.

NM_014003.4(DHX38):c.2218C>T (p.Pro740Ser)

Gene: DHX38 (DEAH-box helicase 38; plus strand). Cytogenetic location: 16q22.2.
Variant type: single nucleotide variant.
Coding change: c.2218C>T on transcript NM_014003.4 (MANE Select); coding-DNA position 2218, C replaced by T.
Protein change: p.Pro740Ser; replaces proline 740 with serine.
Molecular consequence: missense variant.
Genome position (GRCh38, 1-based): chr16:72,105,093, C>T. VCF-style: chr16-72105093-C-T. GRCh37 (hg19) VCF-style: chr16-72138992-C-T.
Other names: short protein forms P740S.
Identifiers: ClinVar variation 959054 (VCV000959054.10), dbSNP rs769608483, ClinGen allele CA8160571.